The following is an entry in ClinVar:

ClinVar aggregate classification (germline): Uncertain significance (1 of 4 stars; one submission).

Allele frequency attached by ClinVar (database versions not stated): gnomAD exomes below 0.00001; ExAC 0.00001; gnomAD 0.00001; TOPMed 0.00005; ESP Exome Variant Server 0.00008.
gnomAD v4.1: 6 of 1,613,992 alleles (0.00037%); highest among the groups gnomAD compares: African/African-American, 0.0053%; no homozygotes.

Submission:

Ambry Genetics
Classification: Uncertain significance. Last evaluated: 2023-11-06. Review status: criteria provided, single submitter. Criteria: Ambry Variant Classification Scheme 2023. Collection method: clinical testing. Allele origin: germline.
Comment: The p.F562S variant (also known as c.1685T>C), located in coding exon 9 of the PALLD gene, results from a T to C substitution at nucleotide position 1685. The phenylalanine at codon 562 is replaced by serine, an amino acid with highly dissimilar properties. This amino acid position is conserved. In addition, this alteration is predicted to be tolerated by in silico analysis. Since supporting evidence is limited at this time, the clinical significance of this alteration remains unclear.

NM_001166108.2(PALLD):c.1685T>C (p.Phe562Ser)

Gene: PALLD (palladin, cytoskeletal associated protein; plus strand). Cytogenetic location: 4q32.3.
Variant type: single nucleotide variant.
Coding change: c.1685T>C on transcript NM_001166108.2 (MANE Select); coding-DNA position 1685, T replaced by C.
Protein change: p.Phe562Ser; replaces phenylalanine 562 with serine.
Molecular consequence: missense variant.
Genome position (GRCh38, 1-based): chr4:168,711,644, T>C. VCF-style: chr4-168711644-T-C. GRCh37 (hg19) VCF-style: chr4-169632795-T-C.
Other names: c.539T>C, p.Phe180Ser (NM_001166109.2); c.1685T>C, p.Phe562Ser (NM_016081.4); short protein forms F180S, F562S.
Identifiers: ClinVar variation 1777989 (VCV001777989.2), dbSNP rs377504487, ClinGen allele CA3135713.
Genomic context (GRCh38, chr4:168,711,644, plus strand): 5'-ACACTGAAAACTGTAGTTACGAGTCAATGGGAGAATCCAACAATGACCACTTCCAACACT[T>C]TCCACCTCCCCCTCCAATCTTGGAGACAAGTTCCTTGGAGTTGGCTTCAAAGAAACCATC-3'
Protein context (NP_001159580.1, residues 552-572): GESNNDHFQH[Phe562Ser]PPPPPILETS